The following is an entry in ClinVar:

NM_000053.4(ATP7B):c.2806_2808del (p.Leu936del)

Gene: ATP7B (ATPase copper transporting beta; minus strand). Cytogenetic location: 13q14.3.
Variant type: Deletion.
Coding change: c.2806_2808del on transcript NM_000053.4 (MANE Select); coding-DNA positions 2806 to 2808, 3 bases deleted (TTG; older notation c.2806_2808delTTG).
Protein change: p.Leu936del; deletes leucine 936.
Molecular consequence: inframe deletion. On other transcripts: intron variant (3).
Genome position (GRCh38, 1-based): chr13:51,949,719-51,949,721, CAA deleted on the plus strand (TTG on the coding strand, the reverse complement: ATP7B is on the minus strand); deleting any 3 consecutive bases within chr13:51,949,719-51,949,722 gives the same sequence; the c. name uses the placement nearest the transcript's 3' end. VCF-style (leftmost placement, unchanged base first): chr13-51949718-CCAA-C. GRCh37 (hg19) VCF-style: chr13-52523854-CCAA-C.
Other names: c.2473_2475del, p.Leu825del (NM_001243182.2); c.2572_2574del, p.Leu858del (NM_001330578.2, NM_001406527.1, NM_001406528.1 and 2 more transcripts); c.2554_2556del, p.Leu852del (NM_001330579.2, NM_001406531.1, NM_001406532.1 and 1 more transcripts); c.2806_2808del, p.Leu936del (NM_001406511.1, NM_001406512.1, NM_001406513.1 and 5 more transcripts); c.2773_2775del, p.Leu925del (NM_001406514.1); c.2710_2712del, p.Leu904del (NM_001406517.1, NM_001406518.1); c.2662_2664del, p.Leu888del (NM_001406520.1, NM_001406521.1, NM_001406522.1 and 1 more transcripts); c.2629_2631del, p.Leu877del (NM_001406524.1); and 11 more; short protein forms L506del, L720del, L742del, L774del, L793del, L820del, L825del, L826del.
Identifiers: ClinVar variation 3339702 (VCV003339702.1).

ClinVar aggregate classification (germline): Uncertain significance (1 of 4 stars; one submission).

Submission:

Women's Health and Genetics/Laboratory Corporation of America, LabCorp
Classification: Uncertain significance. Last evaluated: 2024-06-06. Review status: criteria provided, single submitter. Criteria: LabCorp Variant Classification Summary - May 2015. Collection method: clinical testing. Allele origin: germline.
Comment: Variant summary: ATP7B c.2806_2808delTTG (p.Leu936del) results in an in-frame deletion that is predicted to remove one amino acids from the encoded protein. The variant was absent in 249368 control chromosomes. The available data on variant occurrences in the general population are insufficient to allow any conclusion about variant significance. c.2806_2808delTTG has been reported in the literature in individuals affected with Wilson Disease as a compound heterozygous genotype, or with genotype/second variant not reported (e.g. Zhang_2022, Liu_2018). These data do not allow any conclusion about variant significance. To our knowledge, no experimental evidence demonstrating an impact on protein function has been reported. The following publications have been ascertained in the context of this evaluation (PMID: 29649982, 35220961). No submitters have cited clinical-significance assessments for this variant to ClinVar. Based on the evidence outlined above, the variant was classified as uncertain significance.

Literature cited by the submitters: PubMed 29649982; PubMed 35220961.